The following is an entry in ClinVar:

ClinVar aggregate classification (germline): Uncertain significance. Review status: criteria provided, multiple submitters, no conflicts (2 of 4 stars). 2 submissions from 2 submitters: Uncertain significance (2). Last evaluated 2024-11-28.

Conditions:
Hereditary cancer-predisposing syndrome. Also called: Neoplastic Syndromes, Hereditary; Hereditary Cancer Syndrome; Tumor predisposition; Hereditary neoplastic syndrome. Identifiers: Orphanet 140162, MedGen C0027672, MeSH D009386, MONDO:0015356.
Renal cell carcinoma. Identifiers: Orphanet 217071, MedGen C0007134, MeSH D002292, MONDO:0005086, HP:0005584.

Allele frequency attached by ClinVar (database versions not stated): gnomAD exomes below 0.00001 and 0.00001; TOPMed 0.00002.
gnomAD v4.1: 15 of 1,614,088 alleles (0.00093%); highest among the groups gnomAD compares: Non-Finnish European, 0.0012%; no homozygotes.

Submissions (2):

Labcorp Genetics (formerly Invitae), Labcorp
Classification: Uncertain significance for Renal cell carcinoma. Last evaluated: 2024-11-28. Review status: criteria provided, single submitter. Criteria: Invitae Variant Classification Sherloc (09022015). Collection method: clinical testing. Allele origin: germline.
Comment: This sequence change replaces isoleucine, which is neutral and non-polar, with valine, which is neutral and non-polar, at codon 1052 of the MET protein (p.Ile1052Val). This variant is present in population databases (no rsID available, gnomAD 0.0009%). This variant has not been reported in the literature in individuals affected with MET-related conditions. ClinVar contains an entry for this variant (Variation ID: 944962). An algorithm developed to predict the effect of missense changes on protein structure and function (PolyPhen-2) suggests that this variant is likely to be tolerated. In summary, the available evidence is currently insufficient to determine the role of this variant in disease. Therefore, it has been classified as a Variant of Uncertain Significance.

Ambry Genetics
Classification: Uncertain significance for Hereditary cancer-predisposing syndrome. Last evaluated: 2024-05-20. Review status: criteria provided, single submitter. Criteria: Ambry Variant Classification Scheme 2023. Collection method: clinical testing. Allele origin: germline.
Comment: The p.I1052V variant (also known as c.3154A>G), located in coding exon 14 of the MET gene, results from an A to G substitution at nucleotide position 3154. The isoleucine at codon 1052 is replaced by valine, an amino acid with highly similar properties. This amino acid position is well conserved in available vertebrate species. In addition, this alteration is predicted to be tolerated by in silico analysis. Since supporting evidence is limited at this time, the clinical significance of this alteration remains unclear.

NM_000245.4(MET):c.3100A>G (p.Ile1034Val)

Gene: MET (MET proto-oncogene, receptor tyrosine kinase; plus strand). Cytogenetic location: 7q31.2.
Variant type: single nucleotide variant.
Coding change: c.3100A>G on transcript NM_000245.4 (MANE Select); coding-DNA position 3100, A replaced by G.
Protein change: p.Ile1034Val; replaces isoleucine 1034 with valine.
Molecular consequence: missense variant.
Genome position (GRCh38, 1-based): chr7:116,774,952, A>G. VCF-style: chr7-116774952-A-G. GRCh37 (hg19) VCF-style: chr7-116415006-A-G.
Other names: c.3154A>G, p.Ile1052Val (NM_001127500.3); c.1810A>G, p.Ile604Val (NM_001324402.2); short protein forms I604V, I1052V, I1034V.
Identifiers: ClinVar variation 944962 (VCV000944962.10), dbSNP rs993773653, ClinGen allele CA164906929.